The following is an entry in ClinVar:

NM_006545.5(NPRL2):c.932G>A (p.Arg311Gln)

Gene: NPRL2 (NPR2 like, GATOR1 complex subunit; minus strand). Cytogenetic location: 3p21.31.
Variant type: single nucleotide variant.
Coding change: c.932G>A on transcript NM_006545.5 (MANE Select); coding-DNA position 932, G replaced by A.
Protein change: p.Arg311Gln; replaces arginine 311 with glutamine.
Molecular consequence: missense variant.
Genome position (GRCh38, 1-based): chr3:50,348,124, C>T on the plus strand (G>A on the coding strand, the complement: NPRL2 is on the minus strand). VCF-style: chr3-50348124-C-T. GRCh37 (hg19) VCF-style: chr3-50385555-C-T.
Other names: short protein forms R311Q.
Identifiers: ClinVar variation 2631796 (VCV002631796.4), dbSNP rs769961301, ClinGen allele CA352948294.

ClinVar aggregate classification (germline): Conflicting classifications of pathogenicity. Review status: criteria provided, conflicting classifications (1 of 4 stars). 3 submissions from 3 submitters: Pathogenic (1); Uncertain significance (2). Last evaluated 2025-05-29.

Conditions:
Epilepsy, familial focal, with variable foci 2 (FFEVF2). Identifiers: MedGen C4310709, MONDO:0014924, OMIM 617116.
NPRL2-related disorder. Also called: NPRL2-related condition.

gnomAD v4.1: 3 of 1,613,864 alleles (0.00019%); highest among the groups gnomAD compares: East Asian, 0.0022%; no homozygotes.

Submissions (3):

GeneDx
Classification: Pathogenic. Last evaluated: 2025-05-29. Review status: criteria provided, single submitter. Criteria: GeneDx Variant Classification Process June 2021. Collection method: clinical testing. Allele origin: germline.
Comment: Alters the last nucleotide of the exon and is predicted to destroy the splice donor site and result in aberrant splicing, although in the absence of functional evidence the actual effect of this sequence change is unknown; Has not been previously published as pathogenic or benign to our knowledge

PreventionGenetics, part of Exact Sciences
Classification: Uncertain significance for NPRL2-related condition. Last evaluated: 2023-08-08. Review status: criteria provided, single submitter. Criteria: ACMG Guidelines, 2015. Collection method: clinical testing. Allele origin: germline.
Comment: The NPRL2 c.932G>A variant is predicted to result in the amino acid substitution p.Arg311Gln. This variant is located at the last nucleotide in the exon and is predicted to abolish the canonical splice donor site (SpliceAI, Jaganathan et al. 2019. PubMed ID: 30661751). To our knowledge, this variant has not been reported in the literature. This variant is reported in 0.0046% of alleles in individuals of European (Finnish) descent in gnomAD. At this time, the clinical significance of this variant is uncertain due to the absence of conclusive functional and genetic evidence.

Neuberg Centre For Genomic Medicine, NCGM
Classification: Uncertain significance for Epilepsy, familial focal, with variable foci 2. Last evaluated: 2023-03-01. Review status: criteria provided, single submitter. Criteria: ACMG Guidelines, 2015. Collection method: clinical testing. Allele origin: germline. Inheritance: Autosomal dominant inheritance. Affected: yes.
Comment: The missense c.932G>A (p.Arg311Gln) variant in NPRL2 gene has not been reported previously as a pathogenic variant nor as a benign variant, to our knowledge. The p.Arg311Gln variant has allele frequency 0.0008% in gnomAD Exomes and is novel (not in any individuals) in 1000 Genomes. This variant has not been reported to the ClinVar database. The amino acid change p.Arg311Gln in NPRL2 is predicted as conserved by GERP++ and PhyloP across 100 vertebrates. The amino acid Arg at position 311 is changed to a Gln changing protein sequence and it might alter its composition and physico-chemical properties. For these reasons, this variant has been classified as Variant of Uncertain Significance (VUS).